The following is an entry in ClinVar:

ClinVar aggregate classification (germline): Uncertain significance (1 of 4 stars; one submission).

Allele frequency attached by ClinVar (database versions not stated): ExAC 0.00001; gnomAD 0.00002; gnomAD exomes 0.00002; TOPMed 0.00003.
gnomAD v4.1: 18 of 1,148,784 alleles (0.0016%); highest among the groups gnomAD compares: East Asian, 0.006%; no homozygotes.

Submission:

Labcorp Genetics (formerly Invitae), Labcorp
Classification: Uncertain significance. Last evaluated: 2022-11-29. Review status: criteria provided, single submitter. Criteria: Invitae Variant Classification Sherloc (09022015). Collection method: clinical testing. Allele origin: germline.
Comment: This sequence change replaces threonine, which is neutral and polar, with methionine, which is neutral and non-polar, at codon 362 of the BRWD3 protein (p.Thr362Met). This variant is present in population databases (rs768209298, gnomAD 0.008%), including at least one homozygous and/or hemizygous individual. This variant has not been reported in the literature in individuals affected with BRWD3-related conditions. Algorithms developed to predict the effect of missense changes on protein structure and function are either unavailable or do not agree on the potential impact of this missense change (SIFT: "Deleterious"; PolyPhen-2: "Possibly Damaging"; Align-GVGD: "Class C0"). In summary, the available evidence is currently insufficient to determine the role of this variant in disease. Therefore, it has been classified as a Variant of Uncertain Significance.

NM_153252.5(BRWD3):c.1085C>T (p.Thr362Met)

Gene: BRWD3 (bromodomain and WD repeat domain containing 3; minus strand). Cytogenetic location: Xq21.1.
Variant type: single nucleotide variant.
Coding change: c.1085C>T on transcript NM_153252.5 (MANE Select); coding-DNA position 1085, C replaced by T.
Protein change: p.Thr362Met; replaces threonine 362 with methionine.
Molecular consequence: missense variant.
Genome position (GRCh38, 1-based): chrX:80,734,119, G>A on the plus strand (C>T on the coding strand, the complement: BRWD3 is on the minus strand). VCF-style: chrX-80734119-G-A. GRCh37 (hg19) VCF-style: chrX-79989618-G-A.
Other names: short protein forms T362M.
Identifiers: ClinVar variation 2722370 (VCV002722370.3), dbSNP rs768209298, ClinGen allele CA10462251.